The following is an entry in ClinVar:

NM_053025.4(MYLK):c.3193GAA[1] (p.Glu1066del)

Gene: MYLK (myosin light chain kinase; minus strand). Cytogenetic location: 3q21.1.
Variant type: Microsatellite.
Coding change: c.3193GAA[1] on transcript NM_053025.4 (MANE Select); one copy of the 3-base unit GAA starting at c.3193; the reference has two copies in a row; one copy, 3 bases deleted; also written c.3196_3198del.
Protein change: p.Glu1066del; deletes glutamic acid 1066.
Molecular consequence: inframe deletion.
Genome position (GRCh38, 1-based): chr3:123,700,270-123,700,272, TTC deleted on the plus strand (GAA on the coding strand, the reverse complement: MYLK is on the minus strand); deleting any 3 consecutive bases within chr3:123,700,270-123,700,277 gives the same sequence; the position shown is the placement nearest the transcript's 3' end. VCF-style (leftmost placement, unchanged base first): chr3-123700269-GTTC-G. GRCh37 (hg19) VCF-style: chr3-123419116-GTTC-G.
Other names: c.3196_3198del (NM_053025.4, NM_053025.3); c.2665GAA[1], p.Glu890del (NM_001321309.2); c.2986GAA[1], p.Glu997del (NM_053026.4, NM_053028.4); c.3193GAA[1], p.Glu1066del (NM_053027.4); short protein forms E1066del, E890del, E997del.
Identifiers: ClinVar variation 194904 (VCV000194904.32), dbSNP rs75967604, ClinGen allele CA024834.

ClinVar aggregate classification (germline): Benign/Likely benign. Review status: criteria provided, multiple submitters, no conflicts (2 of 4 stars). 12 submissions from 12 submitters: Benign (8); Likely benign (2). 2 of the submissions do not count toward it. Last evaluated 2026-02-04.

Conditions:
Familial thoracic aortic aneurysm and aortic dissection (TAAD). Also called: Thoracic aortic aneurysms and dissections. Identifiers: Orphanet 91387, MedGen C4707243, MONDO:0019625.
Aortic aneurysm, familial thoracic 7 (AAT7). Also called: AORTIC DISSECTION, FAMILIAL, WITH OR WITHOUT AORTIC ANEURYSM. Identifiers: MedGen C3151077, MONDO:0013418, OMIM 613780.

Submissions (12):

Labcorp Genetics (formerly Invitae), Labcorp
Classification: Benign for Aortic aneurysm, familial thoracic 7. Last evaluated: 2026-02-04. Review status: criteria provided, single submitter. Criteria: Invitae Variant Classification Sherloc (09022015). Collection method: clinical testing. Allele origin: germline.

Blueprint Genetics
Classification: Likely benign. Last evaluated: 2024-11-26. Review status: criteria provided, single submitter. Criteria: ACMG Guidelines, 2015. Collection method: clinical testing. Allele origin: germline.

Women's Health and Genetics/Laboratory Corporation of America, LabCorp
Classification: Likely benign. Last evaluated: 2020-08-18. Review status: criteria provided, single submitter. Criteria: LabCorp Variant Classification Summary - May 2015. Collection method: clinical testing. Allele origin: germline.

CHEO Genetics Diagnostic Laboratory, Children's Hospital of Eastern Ontario
Classification: Benign for Familial thoracic aortic aneurysm and aortic dissection. Last evaluated: 2019-04-12. Review status: criteria provided, single submitter. Criteria: ACMG Guidelines, 2015. Collection method: clinical testing. Allele origin: germline.

GeneDx
Classification: Benign. Last evaluated: 2016-09-27. Review status: criteria provided, single submitter. Criteria: GeneDx Variant Classification (06012015). Collection method: clinical testing. Allele origin: germline. Affected: yes.
Comment: This variant is considered likely benign or benign based on one or more of the following criteria: it is a conservative change, it occurs at a poorly conserved position in the protein, it is predicted to be benign by multiple in silico algorithms, and/or has population frequency not consistent with disease.

Mayo Clinic Laboratories, Mayo Clinic
Classification: Benign. Last evaluated: 2015-06-22. Review status: criteria provided, single submitter. Criteria: ACMG Guidelines, 2015. Collection method: clinical testing. Allele origin: germline. Observed: 65 variant alleles.

Laboratory for Molecular Medicine, Mass General Brigham Personalized Medicine
Classification: Benign. Last evaluated: 2015-06-04. Review status: criteria provided, single submitter. Criteria: LMM Criteria. Collection method: clinical testing. Allele origin: germline. Observed: 4 variant alleles.
Comment: p.Glu1066del in exon 18 of MYLK: This variant is not expected to have clinical s ignificance because it has been identified in 50.4% (4361/8650) of East Asian ch romosomes by the Exome Aggregation Consortium (ExAC. org; dbSNP rs75967604).

Ambry Genetics
Classification: Benign for Familial thoracic aortic aneurysm and aortic dissection. Last evaluated: 2015-02-19. Review status: criteria provided, single submitter. Criteria: Ambry Variant Classification Scheme 2023. Collection method: clinical testing. Allele origin: germline.

Eurofins Ntd Llc (ga)
Classification: Benign. Last evaluated: 2015-01-20. Review status: criteria provided, single submitter. Criteria: EGL Classification Definitions 2015. Collection method: clinical testing. Allele origin: germline. Observed: 2 variant alleles, 2 heterozygotes.

PreventionGenetics, part of Exact Sciences
Classification: Benign. Review status: criteria provided, single submitter. Criteria: ACMG Guidelines, 2015. Collection method: clinical testing. Allele origin: germline.

Clinical Genetics DNA and cytogenetics Diagnostics Lab, Erasmus MC, Erasmus Medical Center
Classification: Benign. Review status: no assertion criteria provided. Collection method: clinical testing. Allele origin: germline. Affected: yes. Study: VKGL Data-share Consensus. Not counted in ClinVar's aggregate classification.

Genome Diagnostics Laboratory, Amsterdam University Medical Center
Classification: Benign. Review status: no assertion criteria provided. Collection method: clinical testing. Allele origin: germline. Affected: yes. Study: VKGL Data-share Consensus. Not counted in ClinVar's aggregate classification.